The following is an entry in ClinVar:

ClinVar aggregate classification (germline): Benign/Likely benign. Review status: criteria provided, multiple submitters, no conflicts (2 of 4 stars). 2 submissions from 2 submitters: Benign (1); Likely benign (1). Last evaluated 2024-09-18.

Conditions:
Hereditary diffuse gastric adenocarcinoma (HDGC). Also called: DIFFUSE GASTRIC AND LOBULAR BREAST CANCER SYNDROME. Identifiers: Orphanet 26106, MedGen C1708349, MONDO:0007648, OMIM 137215.

Submissions (2):

Myriad Genetics, Inc.
Classification: Benign for Hereditary diffuse gastric adenocarcinoma. Last evaluated: 2024-09-18. Review status: criteria provided, single submitter. Criteria: Myriad Autosomal Dominant, Autosomal Recessive and X-Linked Classification Criteria (2023). Collection method: clinical testing. Allele origin: unknown.
Comment: This variant is considered benign. This variant is a silent/synonymous amino acid change and it is not expected to impact splicing.

GeneDx
Classification: Likely benign. Last evaluated: 2016-10-27. Review status: criteria provided, single submitter. Criteria: GeneDx Variant Classification (06012015). Collection method: clinical testing. Allele origin: germline. Affected: yes.
Comment: This variant is considered likely benign or benign based on one or more of the following criteria: it is a conservative change, it occurs at a poorly conserved position in the protein, it is predicted to be benign by multiple in silico algorithms, and/or has population frequency not consistent with disease.

NM_004360.5(CDH1):c.1401C>A (p.Thr467=)

Gene: CDH1 (cadherin 1; plus strand). Cytogenetic location: 16q22.1.
Variant type: single nucleotide variant.
Coding change: c.1401C>A on transcript NM_004360.5 (MANE Select); coding-DNA position 1401, C replaced by A.
Protein change: p.Thr467=; no amino-acid change (threonine 467 retained).
Molecular consequence: synonymous variant. On other transcripts: 5 prime UTR variant (2).
Genome position (GRCh38, 1-based): chr16:68,815,595, C>A. VCF-style: chr16-68815595-C-A. GRCh37 (hg19) VCF-style: chr16-68849498-C-A.
Other names: c.1401C>A (LRG_301t1); c.1218C>A, p.Thr406= (NM_001317184.2); c.-148C>A (NM_001317185.2); c.-419C>A (NM_001317186.2).
Identifiers: ClinVar variation 390600 (VCV000390600.2), dbSNP rs1057523832, ClinGen allele CA16607060.